The following is an entry in ClinVar:

ClinVar aggregate classification (somatic clinical impact): Tier II - Potential (1 of 4 stars; one submission).

Conditions:
Rhabdomyosarcoma. Also called: Rhabdomyosarcoma (disease). Identifiers: Orphanet 780, MedGen C0035412, MeSH D012208, MONDO:0005212, HP:0002859.

Submission:

Institute for Genomic Medicine (IGM) Clinical Laboratory, Nationwide Children's Hospital
Classification: Tier II - Potential for Rhabdomyosarcoma. Assertion type: diagnostic. Clinical significance: supports diagnosis. Last evaluated: 2023-12-26. Review status: criteria provided, single submitter. Criteria: AMP/ASCO/CAP Guidelines, 2017. Collection method: clinical testing. Allele origin: somatic. Affected: yes.
Comment: Variant has Tier II (potential) clinical significance as a diagnostic inclusion criterion in rhabdomyosarcoma, based on the following evidence: 1) Assists in diagnosis alone or along with other biomarkers based on small studies or few case reports (Evidence Level D).

NM_017617.5(NOTCH1):c.5118_5165dup (p.Val1721_Gln1722insHisAlaSerLeuGlySerLeuAsnIleProTyrLysIleGluAlaVal)

Gene: NOTCH1 (notch receptor 1; minus strand). Cytogenetic location: 9q34.3.
Variant type: Duplication.
Coding change: c.5118_5165dup on transcript NM_017617.5 (MANE Select); coding-DNA positions 5118 to 5165, 48 bases duplicated.
Protein change: p.Val1721_Gln1722insHisAlaSerLeuGlySerLeuAsnIleProTyrLysIleGluAlaVal.
Genome position (GRCh38, 1-based): chr9:136,503,184-136,503,231, 48 bases duplicated. GRCh37 (hg19): chr9:139,397,636-139,397,683.
Identifiers: ClinVar variation 4530437 (VCV004530437.1).